The following is an entry in ClinVar:

NM_000484.4(APP):c.2059A>C (p.Lys687Gln)

Gene: APP (amyloid beta precursor protein; minus strand). Cytogenetic location: 21q21.3.
Variant type: single nucleotide variant.
Coding change: c.2059A>C on transcript NM_000484.4 (MANE Select); coding-DNA position 2059, A replaced by C.
Protein change: p.Lys687Gln; replaces lysine 687 with glutamine.
Molecular consequence: missense variant.
Genome position (GRCh38, 1-based): chr21:25,897,578, T>G on the plus strand (A>C on the coding strand, the complement: APP is on the minus strand). VCF-style: chr21-25897578-T-G. GRCh37 (hg19) VCF-style: chr21-27269890-T-G.
Other names: c.1987A>C, p.Lys663Gln (NM_001136016.3); c.1666A>C, p.Lys556Gln (NM_001136129.3); c.1891A>C, p.Lys631Gln (NM_001136130.3, NM_001385253.1); c.1729A>C, p.Lys577Gln (NM_001136131.3); c.2005A>C, p.Lys669Gln (NM_001204301.2); c.1948A>C, p.Lys650Gln (NM_001204302.2); c.1780A>C, p.Lys594Gln (NM_001204303.2); c.2002A>C, p.Lys668Gln (NM_201413.3); and 1 more; short protein forms K556Q, K577Q, K594Q, K612Q, K631Q, K650Q, K663Q, K668Q.
Identifiers: ClinVar variation 3382968 (VCV003382968.2).

ClinVar aggregate classification (germline): Likely pathogenic (1 of 4 stars; one submission).

Conditions:
Cerebral amyloid angiopathy, APP-related. Also called: Cerebral amyloid angiopathy, Dutch, Italian, Iowa, Flemish, Arctic variants; AMYLOIDOSIS, CEREBROARTERIAL, APP-RELATED. Identifiers: Orphanet 100006, Orphanet 324703, Orphanet 324708, Orphanet 324713, Orphanet 324718, Orphanet 324723, Orphanet 85458, MedGen C2751536, MONDO:0011583, OMIM 605714.
Alzheimer disease type 1 (AD1). Also called: ALZHEIMER DISEASE, FAMILIAL, 1; ALZHEIMER DISEASE, FAMILIAL, 1, AUTOSOMAL RECESSIVE. Identifiers: MedGen C1863052, MONDO:0007088, OMIM 104300.

Submission:

Juno Genomics, Hangzhou Juno Genomics, Inc
Classification: Likely pathogenic for Alzheimer disease type 1; Cerebral amyloid angiopathy, APP-related. Review status: criteria provided, single submitter. Criteria: ACMG Guidelines, 2015. Collection method: clinical testing. Allele origin: germline. Affected: yes.
Comment: Absent from controls (or at extremely low frequency if recessive) in Genome Aggregation Database, Exome Sequencing Project, 1000 Genomes Project, or Exome Aggregation Consortium.;Co-segregation with disease in multiple affected family members in a gene definitively known to cause the disease.;The prevalence of the variant in affected individuals is significantly increased compared to the prevalence in controls.